The following is an entry in ClinVar:

NM_001267550.2(TTN):c.38708-29T>C

Gene: TTN (titin; minus strand). Cytogenetic location: 2q31.2.
Variant type: single nucleotide variant.
Coding change: c.38708-29T>C on transcript NM_001267550.2 (MANE Select); 29 bases into the intron before coding-DNA position 38708, T replaced by C.
Molecular consequence: intron variant.
Genome position (GRCh38, 1-based): chr2:178,653,350, A>G on the plus strand (T>C on the coding strand, the complement: TTN is on the minus strand). VCF-style: chr2-178653350-A-G. GRCh37 (hg19) VCF-style: chr2-179518077-A-G.
Other names: c.13283-11033T>C (NM_003319.4); c.13859-11033T>C (NM_133437.4); c.13658-11033T>C (NM_133432.3); c.31742-809T>C (NM_133378.4); c.34523-809T>C (NM_001256850.1).
Identifiers: ClinVar variation 676034 (VCV000676034.2), dbSNP rs13420457, ClinGen allele CA1997089.

ClinVar aggregate classification (germline): Benign. Review status: criteria provided, multiple submitters, no conflicts (2 of 4 stars). 2 submissions from 2 submitters: Benign (2). Last evaluated 2018-06-19.

Allele frequency attached by ClinVar (database versions not stated): gnomAD exomes 0.04883; ExAC 0.06127.

Submissions (2):

GeneDx
Classification: Benign. Last evaluated: 2018-06-19. Review status: criteria provided, single submitter. Criteria: GeneDx Variant Classification (06012015). Collection method: clinical testing. Allele origin: germline. Affected: yes.
Comment: This variant is considered likely benign or benign based on one or more of the following criteria: it is a conservative change, it occurs at a poorly conserved position in the protein, it is predicted to be benign by multiple in silico algorithms, and/or has population frequency not consistent with disease.

Breakthrough Genomics
Classification: Benign. Review status: criteria provided, single submitter. Criteria: ACMG Guidelines, 2015. Collection method: not provided. Allele origin: germline. Inheritance: Autosomal recessive inheritance. Affected: yes.